The following is an entry in ClinVar:

ClinVar aggregate classification (germline): Likely benign (1 of 4 stars; one submission).

Conditions:
MATR3-related disorder. Also called: MATR3-related condition.

gnomAD v4.1: 1 of 1,614,108 alleles (0.000062%); highest among the groups gnomAD compares: African/African-American, 0.0013%; no homozygotes.

Submission:

PreventionGenetics, part of Exact Sciences
Classification: Likely benign for MATR3-related condition. Last evaluated: 2025-02-13. Review status: criteria provided, single submitter. Criteria: ACMG Guidelines, 2015. Collection method: clinical testing. Allele origin: germline.
Comment: This variant is classified as likely benign based on ACMG/AMP sequence variant interpretation guidelines (Richards et al. 2015 PMID: 25741868, with internal and published modifications).

NM_018834.6(MATR3):c.399T>C (p.Ile133=)

Gene: MATR3 (matrin 3; plus strand). Cytogenetic location: 5q31.2.
Variant type: single nucleotide variant.
Coding change: c.399T>C on transcript NM_018834.6 (MANE Select); coding-DNA position 399, T replaced by C.
Protein change: p.Ile133=; no amino-acid change (isoleucine 133 retained).
Molecular consequence: synonymous variant. On other transcripts: intron variant (11).
Genome position (GRCh38, 1-based): chr5:139,307,814, T>C. VCF-style: chr5-139307814-T-C. GRCh37 (hg19) VCF-style: chr5-138643503-T-C.
Other names: c.399T>C, p.Ile133= (NM_001194954.2, NM_001194955.2, NM_001400441.1 and 16 more transcripts); c.52-6861T>C (NM_001400459.1); c.-102-6861T>C (NM_001400463.1, NM_001400460.1, NM_001282278.2 and 3 more transcripts); c.-40-7883T>C (NM_001400462.1, NM_001400467.1); c.13-6861T>C (NM_001400461.1); c.49-6861T>C (NM_001194956.2).
Identifiers: ClinVar variation 4984508 (VCV004984508.1).
Genomic context (GRCh38, chr5:139,307,814, plus strand): 5'-CAGCTTTGGTCTGTCTGCTAGAGACTTAGATGAACTGAGTCGTTATCCAGAGGACAAGAT[T>C]ACTCCTGAGAATTTGCCCCAAATCCTTCTACAGCTTAAAAGGAGGAGAACTGAAGAAGGC-3'
Protein context (NP_061322.2, residues 123-143): DELSRYPEDK[Ile133=]TPENLPQILL